The following is an entry in ClinVar:

NM_020937.4(FANCM):c.5668A>G (p.Met1890Val)

Gene: FANCM (FA complementation group M; plus strand). Cytogenetic location: 14q21.2.
Variant type: single nucleotide variant.
Coding change: c.5668A>G on transcript NM_020937.4 (MANE Select); coding-DNA position 5668, A replaced by G.
Protein change: p.Met1890Val; replaces methionine 1890 with valine.
Molecular consequence: missense variant.
Genome position (GRCh38, 1-based): chr14:45,196,499, A>G. VCF-style: chr14-45196499-A-G. GRCh37 (hg19) VCF-style: chr14-45665702-A-G.
Other names: c.5668A>G (NM_020937.2); c.5590A>G, p.Met1864Val (NM_001308133.2); short protein forms M1890V, M1864V.
Identifiers: ClinVar variation 1489426 (VCV001489426.9), dbSNP rs1413874546, ClinGen allele CA389586379.

ClinVar aggregate classification (germline): Uncertain significance. Review status: criteria provided, multiple submitters, no conflicts (2 of 4 stars). 2 submissions from 2 submitters: Uncertain significance (2). Last evaluated 2025-11-17.

Conditions:
Fanconi anemia (FA). Also called: Fanconi's anemia. Identifiers: Orphanet 84, MedGen C0015625, MeSH D005199, MONDO:0019391.

Allele frequency attached by ClinVar (database versions not stated): gnomAD exomes below 0.00001 and 0.00001; TOPMed 0.00001; gnomAD 0.00002.

Submissions (2):

Labcorp Genetics (formerly Invitae), Labcorp
Classification: Uncertain significance for Fanconi anemia. Last evaluated: 2025-11-17. Review status: criteria provided, single submitter. Criteria: Invitae Variant Classification Sherloc (09022015). Collection method: clinical testing. Allele origin: germline.
Comment: This sequence change replaces methionine, which is neutral and non-polar, with valine, which is neutral and non-polar, at codon 1890 of the FANCM protein (p.Met1890Val). This variant is present in population databases (no rsID available, gnomAD 0.002%). This variant has not been reported in the literature in individuals affected with FANCM-related conditions. ClinVar contains an entry for this variant (Variation ID: 1489426). An algorithm developed to predict the effect of missense changes on protein structure and function (PolyPhen-2) suggests that this variant is likely to be tolerated. In summary, the available evidence is currently insufficient to determine the role of this variant in disease. Therefore, it has been classified as a Variant of Uncertain Significance.

GeneDx
Classification: Uncertain significance. Last evaluated: 2024-01-17. Review status: criteria provided, single submitter. Criteria: GeneDx Variant Classification Process June 2021. Collection method: clinical testing. Allele origin: germline. Affected: yes.
Comment: Not observed at significant frequency in large population cohorts (gnomAD); In silico analysis supports that this missense variant does not alter protein structure/function; Has not been previously published as pathogenic or benign to our knowledge